The following is an entry in ClinVar:

ClinVar aggregate classification (germline): Uncertain significance (1 of 4 stars; one submission).

Conditions:
Duchenne muscular dystrophy (DMD). Also called: MUSCULAR DYSTROPHY, PSEUDOHYPERTROPHIC PROGRESSIVE, DUCHENNE TYPE; Duchenne Muscular Dystrophy (DMD). Identifiers: Orphanet 98896, MedGen C0013264, MONDO:0010679, OMIM 310200.

gnomAD v4.1: 2 of 1,201,642 alleles (0.00017%); highest among the groups gnomAD compares: African/African-American, 0.0035%; no homozygotes.

Submission:

Labcorp Genetics (formerly Invitae), Labcorp
Classification: Uncertain significance for Duchenne muscular dystrophy. Last evaluated: 2025-10-01. Review status: criteria provided, single submitter. Criteria: Invitae Variant Classification Sherloc (09022015). Collection method: clinical testing. Allele origin: germline.
Comment: This sequence change replaces alanine, which is neutral and non-polar, with threonine, which is neutral and polar, at codon 2318 of the DMD protein (p.Ala2318Thr). This variant is not present in population databases (gnomAD no frequency). This variant has not been reported in the literature in individuals affected with DMD-related conditions. ClinVar contains an entry for this variant (Variation ID: 3679242). Invitae Evidence Modeling of protein sequence and biophysical properties (such as structural, functional, and spatial information, amino acid conservation, physicochemical variation, residue mobility, and thermodynamic stability) indicates that this missense variant is not expected to disrupt DMD protein function with a negative predictive value of 95%. In summary, the available evidence is currently insufficient to determine the role of this variant in disease. Therefore, it has been classified as a Variant of Uncertain Significance.

NM_004006.3(DMD):c.6952G>A (p.Ala2318Thr)

Gene: DMD (dystrophin; minus strand). Cytogenetic location: Xp21.1.
Variant type: single nucleotide variant.
Coding change: c.6952G>A on transcript NM_004006.3 (MANE Select); coding-DNA position 6952, G replaced by A.
Protein change: p.Ala2318Thr; replaces alanine 2318 with threonine.
Molecular consequence: missense variant. On other transcripts: 5 prime UTR variant (5).
Genome position (GRCh38, 1-based): chrX:31,875,334, C>T on the plus strand (G>A on the coding strand, the complement: DMD is on the minus strand). VCF-style: chrX-31875334-C-T. GRCh37 (hg19) VCF-style: chrX-31893451-C-T.
Other names: c.6928G>A, p.Ala2310Thr (NM_000109.4); c.6940G>A, p.Ala2314Thr (NM_004009.3); c.6583G>A, p.Ala2195Thr (NM_004010.3); c.2929G>A, p.Ala977Thr (NM_004011.4); c.2920G>A, p.Ala974Thr (NM_004012.4); c.-429G>A (NM_004013.3, NM_004020.4, NM_004021.3 and 2 more transcripts); short protein forms A2318T, A974T, A2195T, A2314T, A2310T, A977T.
Identifiers: ClinVar variation 3679242 (VCV003679242.2).